The following is an entry in ClinVar:

ClinVar aggregate classification (germline): Uncertain significance (1 of 4 stars; one submission).

Submission:

CeGaT Center for Human Genetics Tuebingen
Classification: Uncertain significance. Last evaluated: 2023-09-01. Review status: criteria provided, single submitter. Criteria: CeGaT Center For Human Genetics Tuebingen Variant Classification Criteria Version 2. Collection method: clinical testing. Allele origin: germline. Affected: yes. Observed: 1 variant allele.
Comment: GRB10: PM2

NM_001350814.2(GRB10):c.248G>C (p.Gly83Ala)

Gene: GRB10 (growth factor receptor bound protein 10; minus strand). Cytogenetic location: 7p12.1.
Variant type: single nucleotide variant.
Coding change: c.248G>C on transcript NM_001350814.2 (MANE Select); coding-DNA position 248, G replaced by C.
Protein change: p.Gly83Ala; replaces glycine 83 with alanine.
Molecular consequence: missense variant.
Genome position (GRCh38, 1-based): chr7:50,674,550, C>G on the plus strand (G>C on the coding strand, the complement: GRB10 is on the minus strand). VCF-style: chr7-50674550-C-G. GRCh37 (hg19) VCF-style: chr7-50742247-C-G.
Other names: c.248G>C, p.Gly83Ala (NM_001001549.3); c.74G>C, p.Gly25Ala (NM_001001550.3, NM_001001555.3, NM_001350816.3 and 1 more transcripts); c.362G>C, p.Gly121Ala (NM_001350815.2); c.395G>C, p.Gly132Ala (NM_001371009.1); short protein forms G121A, G132A, G25A, G83A.
Identifiers: ClinVar variation 2657503 (VCV002657503.24), dbSNP rs199989891, ClinGen allele CA367535989.